The following is an entry in ClinVar:

NM_015072.5(TTLL5):c.2030G>A (p.Arg677Gln)

Gene: TTLL5 (tubulin tyrosine ligase like 5; plus strand). Cytogenetic location: 14q24.3.
Variant type: single nucleotide variant.
Coding change: c.2030G>A on transcript NM_015072.5 (MANE Select); coding-DNA position 2030, G replaced by A.
Protein change: p.Arg677Gln; replaces arginine 677 with glutamine.
Molecular consequence: missense variant.
Genome position (GRCh38, 1-based): chr14:75,771,748, G>A. VCF-style: chr14-75771748-G-A. GRCh37 (hg19) VCF-style: chr14-76238091-G-A.
Other names: short protein forms R677Q.
Identifiers: ClinVar variation 867152 (VCV000867152.11), dbSNP rs765491333, ClinGen allele CA7279582.

ClinVar aggregate classification (germline): Conflicting classifications of pathogenicity. Review status: criteria provided, conflicting classifications (1 of 4 stars). 3 submissions from 3 submitters: Likely pathogenic (1); Uncertain significance (1). 1 of the submissions does not count toward it. Last evaluated 2024-02-13.

Conditions:
TTLL5-related disorder. Also called: TTLL5-related condition.
Retinal dystrophy. Also called: Inherited retinal dystrophy. Identifiers: Orphanet 71862, MedGen C0854723, MeSH D058499, MONDO:0019118, HP:0000556.

Allele frequency attached by ClinVar (database versions not stated): gnomAD 0.00001 and 0.00002; gnomAD exomes 0.00002; TOPMed 0.00002; ExAC 0.00003.
gnomAD v4.1: 23 of 1,613,714 alleles (0.0014%); highest among the groups gnomAD compares: South Asian, 0.0088%; no homozygotes.

Submissions (3):

Blueprint Genetics
Classification: Likely pathogenic for TTLL5-related disorders. Last evaluated: 2024-02-13. Review status: criteria provided, single submitter. Criteria: ACMG Guidelines, 2015. Collection method: clinical testing. Allele origin: germline. Affected: yes. Observed: 3 variant alleles.

Labcorp Genetics (formerly Invitae), Labcorp
Classification: Uncertain significance. Last evaluated: 2022-08-09. Review status: criteria provided, single submitter. Criteria: Invitae Variant Classification Sherloc (09022015). Collection method: clinical testing. Allele origin: germline.
Comment: This sequence change replaces arginine, which is basic and polar, with glutamine, which is neutral and polar, at codon 677 of the TTLL5 protein (p.Arg677Gln). This variant is present in population databases (rs765491333, gnomAD 0.01%). This variant has not been reported in the literature in individuals affected with TTLL5-related conditions. ClinVar contains an entry for this variant (Variation ID: 867152). Algorithms developed to predict the effect of missense changes on protein structure and function (SIFT, PolyPhen-2, Align-GVGD) all suggest that this variant is likely to be disruptive. Algorithms developed to predict the effect of sequence changes on RNA splicing suggest that this variant may create or strengthen a splice site. In summary, the available evidence is currently insufficient to determine the role of this variant in disease. Therefore, it has been classified as a Variant of Uncertain Significance.

Institute of Human Genetics, Univ. Regensburg, Univ. Regensburg
Classification: Likely pathogenic for Retinal dystrophy. Last evaluated: 2017-01-01. Review status: no assertion criteria provided. Criteria: ACMG Guidelines, 2015. Collection method: clinical testing. Allele origin: germline. Affected: yes. Not counted in ClinVar's aggregate classification.